The following is an entry in ClinVar:

NM_001375405.1(CEP120):c.-37C>G

Gene: CEP120 (centrosomal protein 120; minus strand). Cytogenetic location: 5q23.2.
Variant type: single nucleotide variant.
Coding change: c.-37C>G on transcript NM_001375405.1 (MANE Select); 37 bases upstream of the start codon, C replaced by G.
Molecular consequence: 5 prime UTR variant. On other transcripts: non-coding transcript variant (1), intron variant (3).
Genome position (GRCh38, 1-based): chr5:123,423,035, G>C on the plus strand (C>G on the coding strand, the complement: CEP120 is on the minus strand). VCF-style: chr5-123423035-G-C. GRCh37 (hg19) VCF-style: chr5-122758729-G-C.
Other names: c.-37C>G (NM_001375406.1, NM_001375407.1); c.-727C>G (NM_001375409.1); c.-30+474C>G (NM_001166226.2); c.-32-5C>G (NM_153223.4); c.-780-5C>G (NM_001375408.1).
Identifiers: ClinVar variation 4686771 (VCV004686771.2).
Genomic context (GRCh38, chr5:123,423,035, plus strand): 5'-CAATTGGTCGGATTTGGAGACCATGGTTGCGGTGAGCGGTCCGGGGGCGAAGGCGGCTGG[G>C]GGGAAGTGAGGTCCAGTTGAGTCGCGGGTAATCCGGGACCCCCGGCGGGACCCCCACTGC-3'

ClinVar aggregate classification (germline): Uncertain significance (1 of 4 stars; one submission).

gnomAD v4.1: 184 of 1,579,106 alleles (0.012%); highest among the groups gnomAD compares: Non-Finnish European, 0.014%; no homozygotes.

Submission:

GeneDx
Classification: Uncertain significance. Last evaluated: 2026-02-12. Review status: criteria provided, single submitter. Criteria: GeneDx Variant Classification Process June 2021. Collection method: clinical testing. Allele origin: germline.
Comment: Has not been previously published as pathogenic or benign to our knowledge; In silico analysis is inconclusive as to whether the variant alters gene splicing. In the absence of RNA/functional studies, the actual effect of this sequence change is unknown.